The following is an entry in ClinVar:

NM_003743.5(NCOA1):c.487G>C (p.Gly163Arg)

Gene: NCOA1 (nuclear receptor coactivator 1; plus strand). Cytogenetic location: 2p23.3.
Variant type: single nucleotide variant.
Coding change: c.487G>C on transcript NM_003743.5 (MANE Select); coding-DNA position 487, G replaced by C.
Protein change: p.Gly163Arg; replaces glycine 163 with arginine.
Molecular consequence: missense variant.
Genome position (GRCh38, 1-based): chr2:24,683,083, G>C. VCF-style: chr2-24683083-G-C. GRCh37 (hg19) VCF-style: chr2-24905952-G-C.
Other names: c.487G>C, p.Gly163Arg (NM_001362950.1, NM_001362952.1, NM_001362954.1 and 3 more transcripts); short protein forms G163R.
Identifiers: ClinVar variation 5000797 (VCV005000797.1).

ClinVar aggregate classification (germline): Uncertain significance (1 of 4 stars; one submission).

Conditions:
NCOA1-related disorder. Also called: NCOA1-related condition.

Submission:

PreventionGenetics, part of Exact Sciences
Classification: Uncertain significance for NCOA1-related condition. Last evaluated: 2025-06-21. Review status: criteria provided, single submitter. Criteria: ACMG Guidelines, 2015. Collection method: clinical testing. Allele origin: germline.
Comment: The NCOA1 c.487G>C variant is predicted to result in the amino acid substitution p.Gly163Arg. To our knowledge, this variant has not been reported in the literature or in a large population database (gnomAD), indicating this variant is rare. At this time, the clinical significance of this variant is uncertain due to the absence of conclusive functional and genetic evidence.